The following is an entry in ClinVar:

NM_201384.3(PLEC):c.2370C>T (p.Ala790=)

Gene: PLEC (plectin; minus strand). Cytogenetic location: 8q24.3.
Variant type: single nucleotide variant.
Coding change: c.2370C>T on transcript NM_201384.3 (MANE Select); coding-DNA position 2370, C replaced by T.
Protein change: p.Ala790=; no amino-acid change (alanine 790 retained).
Molecular consequence: synonymous variant.
Genome position (GRCh38, 1-based): chr8:143,930,471, G>A on the plus strand (C>T on the coding strand, the complement: PLEC is on the minus strand). VCF-style: chr8-143930471-G-A. GRCh37 (hg19) VCF-style: chr8-145004639-G-A.
Other names: c.2451C>T, p.Ala817= (NM_000445.5, NM_001410941.1); c.2328C>T, p.Ala776= (NM_201378.4); c.2304C>T, p.Ala768= (NM_201379.3); c.2781C>T, p.Ala927= (NM_201380.4); c.2274C>T, p.Ala758= (NM_201381.3); c.2370C>T, p.Ala790= (NM_201382.4); c.2382C>T, p.Ala794= (NM_201383.3); c.2451C>T (NM_000445.4).
Identifiers: ClinVar variation 2164457 (VCV002164457.8), dbSNP rs533090572, ClinGen allele CA4927558.
Genomic context (GRCh38, chr8:143,930,471, plus strand): 5'-CAGCAGGGGCAGGCGGCCCCGCATGGGGTGGGCTGGGTGGCGGGGCTTCAGCTGCACGAC[G>A]GCCTTGGCCCGCTTGGCCAGGCCTGAGAGGTGGCCCTTGTACTCGTTCAGCTGTTCCTTC-3'
Protein context (NP_958786.1, residues 780-800): HLSGLAKRAK[Ala790=]VVQLKPRHPA

ClinVar aggregate classification (germline): Conflicting classifications of pathogenicity. Review status: criteria provided, conflicting classifications (1 of 4 stars). 3 submissions from 3 submitters: Uncertain significance (1); Likely benign (2). Last evaluated 2026-03-04.

Conditions:
Autosomal recessive limb-girdle muscular dystrophy type 2Q (LGMDR17). Also called: MUSCULAR DYSTROPHY, LIMB-GIRDLE, AUTOSOMAL RECESSIVE 17. Identifiers: Orphanet 254361, MedGen C3150989, MONDO:0013390, OMIM 613723.
Epidermolysis bullosa simplex, Ogna type (EBS5A). Also called: Pidermolysis bullosa simplex 5A, Ogna type; EPIDERMOLYSIS BULLOSA SIMPLEX 5A, OGNA TYPE. Identifiers: Orphanet 79401, MedGen C0432317, MONDO:0007555, OMIM 131950.
Epidermolysis bullosa simplex with nail dystrophy (EBS5D). Identifiers: MedGen C4225309, MONDO:0014661, OMIM 616487.
Epidermolysis bullosa simplex 5B, with muscular dystrophy (EBS5B). Also called: Epidermolysis bullosa simplex with muscular dystrophy; EPIDERMOLYSIS BULLOSA SIMPLEX AND LIMB-GIRDLE MUSCULAR DYSTROPHY. Identifiers: Orphanet 257, MedGen C2931072, MONDO:0009181, OMIM 226670.
Epidermolysis bullosa simplex 5C, with pyloric atresia (EBS5C). Also called: PLEC-Related Epidermolysis Bullosa with Pyloric Atresia; Epidermolysis bullosa simplex with pyloric atresia; PLEC1-Related Epidermolysis Bullosa with Pyloric Atresia. Identifiers: Orphanet 158684, MedGen C2677349, MONDO:0012807, OMIM 612138.
PLEC-related disorder. Also called: PLEC-related disorders; PLEC-related condition.

Allele frequency attached by ClinVar (database versions not stated): gnomAD exomes 0.00004; ExAC 0.00013; 1000 Genomes Project 30x 0.00016; 1000 Genomes Project 0.00020.
gnomAD v4.1: 65 of 1,591,166 alleles (0.0041%); highest among the groups gnomAD compares: East Asian, 0.058%; no homozygotes.

Submissions (3):

PreventionGenetics, part of Exact Sciences
Classification: Likely benign for PLEC-related condition. Last evaluated: 2026-03-04. Review status: criteria provided, single submitter. Criteria: ACMG Guidelines, 2015. Collection method: clinical testing. Allele origin: germline.
Comment: This variant is classified as likely benign based on ACMG/AMP sequence variant interpretation guidelines (Richards et al. 2015 PMID: 25741868, with internal and published modifications).

Labcorp Genetics (formerly Invitae), Labcorp
Classification: Likely benign for Autosomal recessive limb-girdle muscular dystrophy type 2Q; Epidermolysis bullosa simplex, Ogna type; Epidermolysis bullosa simplex with nail dystrophy; Epidermolysis bullosa simplex 5C, with pyloric atresia; Epidermolysis bullosa simplex 5B, with muscular dystrophy. Last evaluated: 2024-07-03. Review status: criteria provided, single submitter. Criteria: Invitae Variant Classification Sherloc (09022015). Collection method: clinical testing. Allele origin: germline.

Revvity Omics, Revvity
Classification: Uncertain significance. Last evaluated: 2019-11-07. Review status: criteria provided, single submitter. Criteria: ACMG Guidelines, 2015. Collection method: clinical testing. Allele origin: germline.